The following is an entry in ClinVar:

ClinVar aggregate classification (germline): Pathogenic. Review status: criteria provided, single submitter (1 of 4 stars). 2 submissions from 2 submitters: Pathogenic (1). 1 of the submissions does not count toward it. Last evaluated 2023-06-22.

Conditions:
Cleft lip with or without cleft palate. Identifiers: Orphanet 1991, MedGen C0810364, MONDO:0016034.

Submissions (2):

GeneDx
Classification: Pathogenic. Last evaluated: 2023-06-22. Review status: criteria provided, single submitter. Criteria: GeneDx Variant Classification Process June 2021. Collection method: clinical testing. Allele origin: germline. Affected: yes.
Comment: In silico analysis supports that this missense variant has a deleterious effect on protein structure/function; Not observed at significant frequency in large population cohorts (gnomAD); Published functional studies demonstrate a significant loss in the protein's ability to bind endogenous E-cadherin (Cox et al., 2018); This variant is associated with the following publications: (PMID: 29805042)

University of Washington Center for Mendelian Genomics, University of Washington
Classification: Likely pathogenic for Cleft Lip with or without Cleft Palate. Review status: no assertion criteria provided. Collection method: research. Allele origin: inherited. Affected: yes. Not counted in ClinVar's aggregate classification.

Literature cited by the submitters: PubMed 29805042 (cited by University of Washington Center for Mendelian Genomics, University of Washington).

NM_001085458.2(CTNND1):c.1750C>T (p.Arg584Trp)

Genes: CTNND1 (catenin delta 1; plus strand), TMX2-CTNND1 (TMX2-CTNND1 readthrough (NMD candidate); plus strand). Cytogenetic location: 11q12.1.
Variant type: single nucleotide variant.
Coding change: c.1750C>T on transcript NM_001085458.2 (MANE Select); coding-DNA position 1750, C replaced by T.
Protein change: p.Arg584Trp; replaces arginine 584 with tryptophan.
Molecular consequence: missense variant. On other transcripts: non-coding transcript variant (1).
Genome position (GRCh38, 1-based): chr11:57,805,909, C>T. VCF-style: chr11-57805909-C-T. GRCh37 (hg19) VCF-style: chr11-57573381-C-T.
Other names: c.1750C>T, p.Arg584Trp (NM_001085459.2, NM_001085460.2, NM_001085461.2 and 3 more transcripts); c.1447C>T, p.Arg483Trp (NM_001085463.2, NM_001085464.2, NM_001085465.2 and 5 more transcripts); c.1588C>T, p.Arg530Trp (NM_001206883.2, NM_001206884.2, NM_001206886.2 and 4 more transcripts); short protein forms R530W, R584W, R483W.
Identifiers: ClinVar variation 834017 (VCV000834017.2), dbSNP rs780642639, ClinGen allele CA223098416.